The following is an entry in ClinVar:

NM_000531.6(OTC):c.394T>C (p.Ser132Pro)

Gene: OTC (ornithine transcarbamylase; plus strand). Cytogenetic location: Xp11.4.
Variant type: single nucleotide variant.
Coding change: c.394T>C on transcript NM_000531.6 (MANE Select); coding-DNA position 394, T replaced by C.
Protein change: p.Ser132Pro; replaces serine 132 with proline.
Molecular consequence: missense variant.
Genome position (GRCh38, 1-based): chrX:38,401,282, T>C. VCF-style: chrX-38401282-T-C. GRCh37 (hg19) VCF-style: chrX-38260535-T-C.
Other names: short protein forms S132P.
Identifiers: ClinVar variation 97187 (VCV000097187.2), dbSNP rs72556253, ClinGen allele CA224580.
Genomic context (GRCh38, chrX:38,401,282, plus strand): 5'-AGGCATTATTAAGCATAATTATCTTAGATTATCTTTTTCTTGGTTTGCCACAGTGTATTG[T>C]CTAGCATGGCAGATGCAGTATTGGCTCGAGTGTATAAACAATCAGATTTGGACACCCTGG-3'
Protein context (NP_000522.3, residues 122-142): ESLTDTARVL[Ser132Pro]SMADAVLARV

ClinVar aggregate classification (germline): Pathogenic (0 of 4 stars; one submission).

Submission:

GenMed Metabolism Lab
Classification: Pathogenic. Review status: no assertion criteria provided. Collection method: not provided. Allele origin: unknown.
Comment: p.Ser132Pro, Late
ClinVar note: Converted during submission from pathogenic to Pathogenic.